The following is an entry in ClinVar:

NM_001130987.2(DYSF):c.3020C>T (p.Pro1007Leu)

Gene: DYSF (dysferlin; plus strand). Cytogenetic location: 2p13.2.
Variant type: single nucleotide variant.
Coding change: c.3020C>T on transcript NM_001130987.2 (MANE Select); coding-DNA position 3020, C replaced by T.
Protein change: p.Pro1007Leu; replaces proline 1007 with leucine.
Molecular consequence: missense variant.
Genome position (GRCh38, 1-based): chr2:71,570,269, C>T. VCF-style: chr2-71570269-C-T. GRCh37 (hg19) VCF-style: chr2-71797399-C-T.
Other names: c.2969C>T, p.Pro990Leu (NM_001130455.2, NM_001130983.2); c.2924C>T, p.Pro975Leu (NM_001130976.2, NM_001130977.2); c.2966C>T, p.Pro989Leu (NM_001130978.2, NM_003494.4); c.3059C>T, p.Pro1020Leu (NM_001130979.2); c.3017C>T, p.Pro1006Leu (NM_001130980.2, NM_001130981.2); c.3062C>T, p.Pro1021Leu (NM_001130982.2); c.2927C>T, p.Pro976Leu (NM_001130984.2, NM_001130986.2); c.3020C>T, p.Pro1007Leu (NM_001130985.2); and 1 more; short protein forms P989L, P990L, P1020L, P1007L, P1021L, P1006L, P975L, P976L.
Identifiers: ClinVar variation 2046679 (VCV002046679.6), dbSNP rs756935601, ClinGen allele CA1706374.

ClinVar aggregate classification (germline): Uncertain significance. Review status: criteria provided, multiple submitters, no conflicts (2 of 4 stars). 5 submissions from 5 submitters: Uncertain significance (5). Last evaluated 2025-08-05.

Conditions:
DYSF-related disorder. Also called: DYSF-related condition; DYSF-related disorders.
Neuromuscular disease caused by qualitative or quantitative defects of dysferlin. Also called: Qualitative or quantitative defects of dysferlin; Dysferlinopathy. Identifiers: Orphanet 207073, MedGen C2931687, MONDO:0016145.
Autosomal recessive limb-girdle muscular dystrophy. Identifiers: Orphanet 102015, MedGen C2931907, MONDO:0015152.
Inborn genetic diseases. Identifiers: MedGen C0950123, MeSH D030342.

Allele frequency attached by ClinVar (database versions not stated): gnomAD exomes below 0.00001; gnomAD 0.00001; ExAC 0.00002; TOPMed 0.00004.
gnomAD v4.1: 5 of 1,614,020 alleles (0.00031%); highest among the groups gnomAD compares: Admixed American, 0.0017%; no homozygotes.

Submissions (5):

Myriad Genetics, Inc.
Classification: Uncertain significance for Autosomal recessive limb-girdle muscular dystrophy. Last evaluated: 2025-08-05. Review status: criteria provided, single submitter. Criteria: Myriad Autosomal Dominant, Autosomal Recessive and X-Linked Classification Criteria (2023). Collection method: clinical testing. Allele origin: unknown.
Comment: NM_003494.3(DYSF):c.2966C>T(P989L) is a missense variant classified as a variant of uncertain significance in the context of dysferlinopathy. P989L has been observed in a case with relevant disease (PMID: 39678382). Relevant functional assessments of this variant are not available in the literature. P989L has been observed in referenced population frequency databases. In summary, there is insufficient evidence to classify NM_003494.3(DYSF):c.2966C>T(P989L) as pathogenic or benign. Please note: this variant was assessed in the context of healthy population screening.

PreventionGenetics, part of Exact Sciences
Classification: Uncertain significance for DYSF-related condition. Last evaluated: 2025-02-24. Review status: criteria provided, single submitter. Criteria: ACMG Guidelines, 2015. Collection method: clinical testing. Allele origin: germline.
Comment: The DYSF c.2966C>T variant is predicted to result in the amino acid substitution p.Pro989Leu. To our knowledge, this variant has not been reported in the literature. This variant is reported in 0.0029% of alleles in individuals of Latino descent in gnomAD. At this time, the clinical significance of this variant is uncertain due to the absence of conclusive functional and genetic evidence.

Ambry Genetics
Classification: Uncertain significance for Inborn genetic diseases. Last evaluated: 2023-12-18. Review status: criteria provided, single submitter. Criteria: Ambry Variant Classification Scheme 2023. Collection method: clinical testing. Allele origin: germline.

Labcorp Genetics (formerly Invitae), Labcorp
Classification: Uncertain significance for Neuromuscular disease caused by qualitative or quantitative defects of dysferlin. Last evaluated: 2022-07-25. Review status: criteria provided, single submitter. Criteria: Invitae Variant Classification Sherloc (09022015). Collection method: clinical testing. Allele origin: germline.
Comment: This sequence change replaces proline, which is neutral and non-polar, with leucine, which is neutral and non-polar, at codon 989 of the DYSF protein (p.Pro989Leu). This variant is present in population databases (rs756935601, gnomAD 0.003%). This variant has not been reported in the literature in individuals affected with DYSF-related conditions. Advanced modeling of protein sequence and biophysical properties (such as structural, functional, and spatial information, amino acid conservation, physicochemical variation, residue mobility, and thermodynamic stability) performed at Invitae indicates that this missense variant is expected to disrupt DYSF protein function. In summary, the available evidence is currently insufficient to determine the role of this variant in disease. Therefore, it has been classified as a Variant of Uncertain Significance.

Revvity Omics, Revvity
Classification: Uncertain significance. Last evaluated: 2019-05-02. Review status: criteria provided, single submitter. Criteria: ACMG Guidelines, 2015. Collection method: clinical testing. Allele origin: germline.

Literature cited by the submitters: PubMed 39678382 (cited by Myriad Genetics, Inc.).